The following is an entry in ClinVar:

NM_001010874.5(TECRL):c.452A>G (p.Tyr151Cys)

Gene: TECRL (trans-2,3-enoyl-CoA reductase like; minus strand). Cytogenetic location: 4q13.1.
Variant type: single nucleotide variant.
Coding change: c.452A>G on transcript NM_001010874.5 (MANE Select); coding-DNA position 452, A replaced by G.
Protein change: p.Tyr151Cys; replaces tyrosine 151 with cysteine.
Molecular consequence: missense variant.
Genome position (GRCh38, 1-based): chr4:64,314,747, T>C on the plus strand (A>G on the coding strand, the complement: TECRL is on the minus strand). VCF-style: chr4-64314747-T-C. GRCh37 (hg19) VCF-style: chr4-65180465-T-C.
Other names: c.452A>G, p.Tyr151Cys (NM_001363796.1); short protein forms Y151C.
Identifiers: ClinVar variation 1741251 (VCV001741251.3), dbSNP rs757058081, ClinGen allele CA2935521.

ClinVar aggregate classification (germline): Uncertain significance (1 of 4 stars; one submission).

Conditions:
Cardiovascular phenotype. Identifiers: MedGen CN230736.

Allele frequency attached by ClinVar (database versions not stated): gnomAD 0.00001; ExAC 0.00007; TOPMed 0.00001; gnomAD exomes 0.00002.
gnomAD v4.1: 30 of 1,612,280 alleles (0.0019%); highest among the groups gnomAD compares: Non-Finnish European, 0.0025%; no homozygotes.

Submission:

Ambry Genetics
Classification: Uncertain significance for Cardiovascular phenotype. Last evaluated: 2025-05-15. Review status: criteria provided, single submitter. Criteria: Ambry Variant Classification Scheme 2023. Collection method: clinical testing. Allele origin: germline.
Comment: The p.Y151C variant (also known as c.452A>G), located in coding exon 5 of the TECRL gene, results from an A to G substitution at nucleotide position 452. The tyrosine at codon 151 is replaced by cysteine, an amino acid with highly dissimilar properties. This amino acid position is conserved. In addition, the in silico prediction for this alteration is inconclusive. Since supporting evidence is limited at this time, the clinical significance of this alteration remains unclear.